The following is an entry in ClinVar:

NM_017617.5(NOTCH1):c.1763C>T (p.Thr588Ile)

Gene: NOTCH1 (notch receptor 1; minus strand). Cytogenetic location: 9q34.3.
Variant type: single nucleotide variant.
Coding change: c.1763C>T on transcript NM_017617.5 (MANE Select); coding-DNA position 1763, C replaced by T.
Protein change: p.Thr588Ile; replaces threonine 588 with isoleucine.
Molecular consequence: missense variant.
Genome position (GRCh38, 1-based): chr9:136,515,623, G>A on the plus strand (C>T on the coding strand, the complement: NOTCH1 is on the minus strand). VCF-style: chr9-136515623-G-A. GRCh37 (hg19) VCF-style: chr9-139410075-G-A.
Other names: short protein forms T588I.
Identifiers: ClinVar variation 4635483 (VCV004635483.2).
Genomic context (GRCh38, chr9:136,515,623, plus strand): 5'-GAGCACTCGTTGATGTTGGTCTCGCAGTGGTGGCCCGTGTAGCCTGGGCGGCAGAGGCAG[G>A]TGAAGGTGGCGACGCCGTCCTTGCAGGAGCCGTAGTGGCAGGGGTCGGGGTCGCACTCAT-3'
Protein context (NP_060087.3, residues 578-598): GSCKDGVATF[Thr588Ile]CLCRPGYTGH

ClinVar aggregate classification (germline): Uncertain significance. Review status: criteria provided, multiple submitters, no conflicts (2 of 4 stars). 2 submissions from 2 submitters: Uncertain significance (2). Last evaluated 2025-11-22.

Conditions:
Familial thoracic aortic aneurysm and aortic dissection (TAAD). Also called: Thoracic aortic aneurysms and dissections. Identifiers: Orphanet 91387, MedGen C4707243, MONDO:0019625.
Adams-Oliver syndrome 5 (AOS5). Identifiers: Orphanet 974, MedGen C4014970, MONDO:0014459, OMIM 616028.

Submissions (2):

Ambry Genetics
Classification: Uncertain significance for Familial thoracic aortic aneurysm and aortic dissection. Last evaluated: 2025-11-22. Review status: criteria provided, single submitter. Criteria: Ambry Variant Classification Scheme 2023. Collection method: clinical testing. Allele origin: germline.
Comment: The p.T588I variant (also known as c.1763C>T), located in coding exon 11 of the NOTCH1 gene, results from a C to T substitution at nucleotide position 1763. The threonine at codon 588 is replaced by isoleucine, an amino acid with similar properties. This amino acid position is conserved. In addition, the in silico prediction for this alteration is inconclusive. Based on the available evidence, the clinical significance of this variant remains unclear.

Labcorp Genetics (formerly Invitae), Labcorp
Classification: Uncertain significance for Adams-Oliver syndrome 5. Last evaluated: 2025-04-18. Review status: criteria provided, single submitter. Criteria: Invitae Variant Classification Sherloc (09022015). Collection method: clinical testing. Allele origin: germline.
Comment: This sequence change replaces threonine, which is neutral and polar, with isoleucine, which is neutral and non-polar, at codon 588 of the NOTCH1 protein (p.Thr588Ile). This variant is not present in population databases (gnomAD no frequency). This variant has not been reported in the literature in individuals affected with NOTCH1-related conditions. Invitae Evidence Modeling of protein sequence and biophysical properties (such as structural, functional, and spatial information, amino acid conservation, physicochemical variation, residue mobility, and thermodynamic stability) indicates that this missense variant is not expected to disrupt NOTCH1 protein function with a negative predictive value of 95%. In summary, the available evidence is currently insufficient to determine the role of this variant in disease. Therefore, it has been classified as a Variant of Uncertain Significance.